The following is an entry in ClinVar:

NM_152269.5(MTRFR):c.415C>T (p.Gln139Ter)

Gene: MTRFR (mitochondrial translation release factor in rescue; plus strand). Cytogenetic location: 12q24.31.
Variant type: single nucleotide variant.
Coding change: c.415C>T on transcript NM_152269.5 (MANE Select); coding-DNA position 415, C replaced by T.
Protein change: p.Gln139Ter; replaces glutamine 139 with a stop codon.
Molecular consequence: nonsense.
Genome position (GRCh38, 1-based): chr12:123,256,945, C>T. VCF-style: chr12-123256945-C-T. GRCh37 (hg19) VCF-style: chr12-123741492-C-T.
Other names: c.415C>T, p.Gln139Ter (NM_001143905.2, NM_001194995.1); short protein forms Q139*.
Identifiers: ClinVar variation 88864 (VCV000088864.4), dbSNP rs398122365, ClinGen allele CA145384.

ClinVar aggregate classification (germline): Likely pathogenic. Review status: criteria provided, single submitter (1 of 4 stars). 2 submissions from 2 submitters: Likely pathogenic (1). 1 of the submissions does not count toward it. Last evaluated 2020-03-01.

Conditions:
Hereditary spastic paraplegia 55. Also called: Spastic paraplegia 55, autosomal recessive. Identifiers: Orphanet 320375, MedGen C3539506, MONDO:0014020, OMIM 615035.

Submissions (2):

Institute of Human Genetics, University of Leipzig Medical Center
Classification: Likely pathogenic for Hereditary spastic paraplegia 55. Last evaluated: 2020-03-01. Review status: criteria provided, single submitter. Criteria: ACMG Guidelines, 2015. Collection method: clinical testing. Allele origin: biparental. Inheritance: Autosomal recessive inheritance. Affected: yes.
Comment: Review of the variants reported in Reuter et al., 2017, PMID: 28097321: PVS1_Strong,PM2,PM3,PP1

OMIM
Classification: Pathogenic for SPASTIC PARAPLEGIA 55, AUTOSOMAL RECESSIVE. Last evaluated: 2013-11-01. Review status: no assertion criteria provided. Collection method: literature only. Allele origin: germline. Not counted in ClinVar's aggregate classification.

Literature cited by the submitters: PubMed 24080142 (cited by OMIM); PubMed 23188110 (cited by OMIM).